The following is an entry in ClinVar:

NM_007272.3(CTRC):c.379C>T (p.Leu127Phe)

Gene: CTRC (chymotrypsin C; plus strand). Cytogenetic location: 1p36.21.
Variant type: single nucleotide variant.
Coding change: c.379C>T on transcript NM_007272.3 (MANE Select); coding-DNA position 379, C replaced by T.
Protein change: p.Leu127Phe; replaces leucine 127 with phenylalanine.
Molecular consequence: missense variant.
Genome position (GRCh38, 1-based): chr1:15,443,441, C>T. VCF-style: chr1-15443441-C-T. GRCh37 (hg19) VCF-style: chr1-15769936-C-T.
Other names: short protein forms L127F.
Identifiers: ClinVar variation 2626255 (VCV002626255.5), dbSNP rs2526297077, ClinGen allele CA338565960.
Genomic context (GRCh38, chr1:15,443,441, plus strand): 5'-CCCTCCTGCCCACTCACCCTCTCCACTTTGGATTCCAGCAATGATATTGCCCTCATCAAG[C>T]TTGCAGAGCATGTGGAGCTGAGTGACACCATCCAGGTGGCCTGCCTGCCAGAGAAGGACT-3'
Protein context (NP_009203.2, residues 117-137): LLRNDIALIK[Leu127Phe]AEHVELSDTI

ClinVar aggregate classification (germline): Uncertain significance. Review status: criteria provided, multiple submitters, no conflicts (2 of 4 stars). 2 submissions from 2 submitters: Uncertain significance (2). Last evaluated 2025-03-13.

Conditions:
Hereditary pancreatitis (PCTT). Also called: PRSS1-Related Hereditary Pancreatitis; Hereditary chronic pancreatitis. Identifiers: Orphanet 676, MedGen C0238339, MONDO:0008185, OMIM 167800.

Submissions (2):

Labcorp Genetics (formerly Invitae), Labcorp
Classification: Uncertain significance for Hereditary pancreatitis. Last evaluated: 2025-03-13. Review status: criteria provided, single submitter. Criteria: Invitae Variant Classification Sherloc (09022015). Collection method: clinical testing. Allele origin: germline.
Comment: This sequence change replaces leucine, which is neutral and non-polar, with phenylalanine, which is neutral and non-polar, at codon 127 of the CTRC protein (p.Leu127Phe). This variant is not present in population databases (gnomAD no frequency). This variant has not been reported in the literature in individuals affected with CTRC-related conditions. ClinVar contains an entry for this variant (Variation ID: 2626255). Invitae Evidence Modeling of protein sequence and biophysical properties (such as structural, functional, and spatial information, amino acid conservation, physicochemical variation, residue mobility, and thermodynamic stability) has been performed for this missense variant. However, the output from this modeling did not meet the statistical confidence thresholds required to predict the impact of this variant on CTRC protein function. In summary, the available evidence is currently insufficient to determine the role of this variant in disease. Therefore, it has been classified as a Variant of Uncertain Significance.

Ambry Genetics
Classification: Uncertain significance for Hereditary pancreatitis. Last evaluated: 2023-07-23. Review status: criteria provided, single submitter. Criteria: Ambry Variant Classification Scheme 2023. Collection method: clinical testing. Allele origin: germline.
Comment: The p.L127F variant (also known as c.379C>T), located in coding exon 5 of the CTRC gene, results from a C to T substitution at nucleotide position 379. The leucine at codon 127 is replaced by phenylalanine, an amino acid with highly similar properties. This amino acid position is conserved. In addition, this alteration is predicted to be deleterious by in silico analysis. Since supporting evidence is limited at this time, the clinical significance of this alteration remains unclear.